The following is an entry in ClinVar:

NM_001130823.3(DNMT1):c.1722G>A (p.Val574=)

Gene: DNMT1 (DNA methyltransferase 1; minus strand). Cytogenetic location: 19p13.2.
Variant type: single nucleotide variant.
Coding change: c.1722G>A on transcript NM_001130823.3 (MANE Select); coding-DNA position 1722, G replaced by A.
Protein change: p.Val574=; no amino-acid change (valine 574 retained).
Molecular consequence: synonymous variant.
Genome position (GRCh38, 1-based): chr19:10,154,696, C>T on the plus strand (G>A on the coding strand, the complement: DNMT1 is on the minus strand). VCF-style: chr19-10154696-C-T. GRCh37 (hg19) VCF-style: chr19-10265372-C-T.
Other names: c.1722G>A (LRG_362t1, NM_001130823.2); c.1674G>A, p.Val558= (NM_001318730.2, NM_001379.4); c.1359G>A, p.Val453= (NM_001318731.2).
Identifiers: ClinVar variation 381309 (VCV000381309.31), dbSNP rs140376680, ClinGen allele CA9188235.

ClinVar aggregate classification (germline): Benign/Likely benign. Review status: criteria provided, multiple submitters, no conflicts (2 of 4 stars). 6 submissions from 6 submitters: Benign (3); Likely benign (3). Last evaluated 2026-01-19.

Conditions:
DNMT1-related disorder. Also called: DNMT1-related condition. Identifiers: MedGen CN381527.
Hereditary sensory neuropathy-deafness-dementia syndrome. Also called: Hereditary sensory neuropathy type IE; Hereditary Sensory and Autonomic Neuropathy Type 1E (HSAN1E); NEUROPATHY, HEREDITARY SENSORY, WITH HEARING LOSS AND DEMENTIA; HSN IE. Identifiers: Orphanet 456318, MedGen C3279885, MONDO:0013584, OMIM 614116.

Allele frequency attached by ClinVar (database versions not stated): gnomAD 0.00006 and 0.00007; gnomAD exomes 0.00010 and 0.00020; TOPMed 0.00011; ESP Exome Variant Server 0.00015; ExAC 0.00026; 1000 Genomes Project 30x 0.00047; 1000 Genomes Project 0.00060.
gnomAD v4.1: 177 of 1,614,224 alleles (0.011%); highest among the groups gnomAD compares: East Asian, 0.12%; no homozygotes.

Submissions (6):

Labcorp Genetics (formerly Invitae), Labcorp
Classification: Benign for Hereditary sensory neuropathy-deafness-dementia syndrome. Last evaluated: 2026-01-19. Review status: criteria provided, single submitter. Criteria: Invitae Variant Classification Sherloc (09022015). Collection method: clinical testing. Allele origin: germline.

PreventionGenetics, part of Exact Sciences
Classification: Likely benign for DNMT1-related condition. Last evaluated: 2025-03-04. Review status: criteria provided, single submitter. Criteria: ACMG Guidelines, 2015. Collection method: clinical testing. Allele origin: germline.
Comment: This variant is classified as likely benign based on ACMG/AMP sequence variant interpretation guidelines (Richards et al. 2015 PMID: 25741868, with internal and published modifications).

Blueprint Genetics
Classification: Likely benign. Last evaluated: 2024-11-27. Review status: criteria provided, single submitter. Criteria: ACMG Guidelines, 2015. Collection method: clinical testing. Allele origin: germline.

CeGaT Center for Human Genetics Tuebingen
Classification: Likely benign. Last evaluated: 2024-09-01. Review status: criteria provided, single submitter. Criteria: CeGaT Center For Human Genetics Tuebingen Variant Classification Criteria Version 2. Collection method: clinical testing. Allele origin: germline. Affected: yes. Observed: 1 variant allele.
Comment: DNMT1: BP4, BP7

ARUP Laboratories, Molecular Genetics and Genomics, ARUP Laboratories
Classification: Benign. Last evaluated: 2023-09-21. Review status: criteria provided, single submitter. Criteria: ARUP Molecular Germline Variant Investigation Process 2024. Collection method: clinical testing. Allele origin: germline.

GeneDx
Classification: Benign. Last evaluated: 2021-08-24. Review status: criteria provided, single submitter. Criteria: GeneDx Variant Classification Process June 2021. Collection method: clinical testing. Allele origin: germline. Affected: yes.